The following is an entry in ClinVar:

NM_021930.6(RINT1):c.305G>C (p.Arg102Thr)

Gene: RINT1 (RAD50 interactor 1; plus strand). Cytogenetic location: 7q22.3.
Variant type: single nucleotide variant.
Coding change: c.305G>C on transcript NM_021930.6 (MANE Select); coding-DNA position 305, G replaced by C.
Protein change: p.Arg102Thr; replaces arginine 102 with threonine.
Molecular consequence: missense variant. On other transcripts: 5 prime UTR variant (3), non-coding transcript variant (1).
Genome position (GRCh38, 1-based): chr7:105,542,439, G>C. VCF-style: chr7-105542439-G-C. GRCh37 (hg19) VCF-style: chr7-105182886-G-C.
Other names: c.71G>C, p.Arg24Thr (NM_001346599.2); c.-715G>C (NM_001346600.2); c.-618G>C (NM_001346601.2); c.-238G>C (NM_001346603.2); short protein forms R102T, R24T.
Identifiers: ClinVar variation 3433625 (VCV003433625.1).

ClinVar aggregate classification (germline): Uncertain significance (1 of 4 stars; one submission).

gnomAD v4.1: 1 of 1,611,166 alleles (0.000062%); highest among the groups gnomAD compares: Non-Finnish European, 0.000085%; no homozygotes.

Submission:

Ambry Genetics
Classification: Uncertain significance. Last evaluated: 2024-09-26. Review status: criteria provided, single submitter. Criteria: Ambry Variant Classification Scheme 2023. Collection method: clinical testing. Allele origin: germline.
Comment: The p.R102T variant (also known as c.305G>C), located in coding exon 4 of the RINT1 gene, results from a G to C substitution at nucleotide position 305. The arginine at codon 102 is replaced by threonine, an amino acid with similar properties. This amino acid position is conserved. In addition, this alteration is predicted to be tolerated by in silico analysis. Based on the available evidence, the clinical significance of this variant remains unclear.